The following is an entry in ClinVar:

NM_001378454.1(ALMS1):c.7376G>C (p.Ser2459Thr)

Gene: ALMS1 (ALMS1 centrosome and basal body associated protein; plus strand). Cytogenetic location: 2p13.1.
Variant type: single nucleotide variant.
Coding change: c.7376G>C on transcript NM_001378454.1 (MANE Select); coding-DNA position 7376, G replaced by C.
Protein change: p.Ser2459Thr; replaces serine 2459 with threonine.
Molecular consequence: missense variant.
Genome position (GRCh38, 1-based): chr2:73,453,903, G>C. VCF-style: chr2-73453903-G-C. GRCh37 (hg19) VCF-style: chr2-73681030-G-C.
Other names: c.7379G>C, p.Ser2460Thr (NM_015120.4); short protein forms S2460T, S2459T.
Identifiers: ClinVar variation 403936 (VCV000403936.16), dbSNP rs778055498, ClinGen allele CA1714223.

ClinVar aggregate classification (germline): Uncertain significance. Review status: criteria provided, multiple submitters, no conflicts (2 of 4 stars). 5 submissions from 5 submitters: Uncertain significance (4). 1 of the submissions does not count toward it. Last evaluated 2025-10-23.

Conditions:
Cardiovascular phenotype. Identifiers: MedGen CN230736.
Alstrom syndrome (ALMS). Identifiers: Orphanet 64, MedGen C0268425, MONDO:0008763, OMIM 203800.

Allele frequency attached by ClinVar (database versions not stated): ExAC 0.00001; gnomAD exomes 0.00001; TOPMed 0.00002.
gnomAD v4.1: 18 of 1,614,074 alleles (0.0011%); highest among the groups gnomAD compares: African/African-American, 0.004%; no homozygotes.

Submissions (5):

GeneDx
Classification: Uncertain significance. Last evaluated: 2025-10-23. Review status: criteria provided, single submitter. Criteria: GeneDx Variant Classification Process June 2021. Collection method: clinical testing. Allele origin: germline. Affected: yes.
Comment: Not observed at significant frequency in large population cohorts (gnomAD); In silico analysis suggests that this missense variant does not alter protein structure/function; Has not been previously published as pathogenic or benign to our knowledge

Labcorp Genetics (formerly Invitae), Labcorp
Classification: Uncertain significance for Alstrom syndrome. Last evaluated: 2024-09-29. Review status: criteria provided, single submitter. Criteria: Invitae Variant Classification Sherloc (09022015). Collection method: clinical testing. Allele origin: germline.
Comment: This sequence change replaces serine, which is neutral and polar, with threonine, which is neutral and polar, at codon 2460 of the ALMS1 protein (p.Ser2460Thr). This variant is present in population databases (rs778055498, gnomAD 0.004%). This variant has not been reported in the literature in individuals affected with ALMS1-related conditions. ClinVar contains an entry for this variant (Variation ID: 403936). Experimental studies and prediction algorithms are not available or were not evaluated, and the functional significance of this variant is currently unknown. In summary, the available evidence is currently insufficient to determine the role of this variant in disease. Therefore, it has been classified as a Variant of Uncertain Significance.

Fulgent Genetics
Classification: Uncertain significance for Alstrom syndrome. Last evaluated: 2022-05-09. Review status: criteria provided, single submitter. Criteria: ACMG Guidelines, 2015. Collection method: clinical testing. Allele origin: unknown.

Ambry Genetics
Classification: Uncertain significance for Cardiovascular phenotype. Last evaluated: 2019-11-22. Review status: criteria provided, single submitter. Criteria: Ambry Variant Classification Scheme 2023. Collection method: clinical testing. Allele origin: germline.
Comment: The p.S2460T variant (also known as c.7379G>C), located in coding exon 8 of the ALMS1 gene, results from a G to C substitution at nucleotide position 7379. The serine at codon 2460 is replaced by threonine, an amino acid with similar properties. This amino acid position is well conserved in available vertebrate species. In addition, this alteration is predicted to be tolerated by in silico analysis. Since supporting evidence is limited at this time, the clinical significance of this alteration remains unclear.

Natera, Inc.
Classification: Uncertain significance for Alstrom syndrome. Last evaluated: 2021-03-31. Review status: no assertion criteria provided. Collection method: clinical testing. Allele origin: germline. Not counted in ClinVar's aggregate classification.